The following is an entry in ClinVar:

ClinVar aggregate classification (germline): Uncertain significance (1 of 4 stars; one submission).

Conditions:
DNA ligase IV deficiency. Identifiers: Orphanet 99812, MedGen C1847827, MONDO:0011686, OMIM 606593.

Allele frequency attached by ClinVar (database versions not stated): gnomAD exomes below 0.00001 and 0.00001; ExAC 0.00001.
gnomAD v4.1: 12 of 1,613,860 alleles (0.00074%); highest among the groups gnomAD compares: Non-Finnish European, 0.001%; no homozygotes.

Submission:

Labcorp Genetics (formerly Invitae), Labcorp
Classification: Uncertain significance for DNA ligase IV deficiency. Last evaluated: 2021-08-28. Review status: criteria provided, single submitter. Criteria: Invitae Variant Classification Sherloc (09022015). Collection method: clinical testing. Allele origin: germline.
Comment: This sequence change replaces alanine with valine at codon 304 of the LIG4 protein (p.Ala304Val). The alanine residue is weakly conserved and there is a small physicochemical difference between alanine and valine. This variant is present in population databases (rs749198307, ExAC 0.001%). This variant has not been reported in the literature in individuals affected with LIG4-related conditions. Algorithms developed to predict the effect of missense changes on protein structure and function (SIFT, PolyPhen-2, Align-GVGD) all suggest that this variant is likely to be tolerated. In summary, the available evidence is currently insufficient to determine the role of this variant in disease. Therefore, it has been classified as a Variant of Uncertain Significance.

NM_206937.2(LIG4):c.911C>T (p.Ala304Val)

Gene: LIG4 (DNA ligase 4; minus strand). Cytogenetic location: 13q33.3.
Variant type: single nucleotide variant.
Coding change: c.911C>T on transcript NM_206937.2 (MANE Select); coding-DNA position 911, C replaced by T.
Protein change: p.Ala304Val; replaces alanine 304 with valine.
Molecular consequence: missense variant.
Genome position (GRCh38, 1-based): chr13:108,210,358, G>A on the plus strand (C>T on the coding strand, the complement: LIG4 is on the minus strand). VCF-style: chr13-108210358-G-A. GRCh37 (hg19) VCF-style: chr13-108862706-G-A.
Other names: c.911C>T, p.Ala304Val (NM_001098268.2, NM_001352598.2, NM_001352599.2 and 6 more transcripts); c.710C>T, p.Ala237Val (NM_001330595.2); c.947C>T, p.Ala316Val (NM_001352604.2); short protein forms A304V, A237V, A316V.
Identifiers: ClinVar variation 852138 (VCV000852138.7), dbSNP rs749198307, ClinGen allele CA7043780.